The following is an entry in ClinVar:

ClinVar aggregate classification (germline): Uncertain significance (1 of 4 stars; one submission).

Conditions:
Zellweger spectrum disorders (ZS). Also called: Zellweger Spectrum Disorder; Zellweger Spectrum; Zellweger Spectrum Disorder (ZSD); Zellweger syndrome. Identifiers: Orphanet 912, MedGen C0043459, MONDO:0019609.

Allele frequency attached by ClinVar (database versions not stated): gnomAD exomes below 0.00001; TOPMed below 0.00001; ExAC 0.00001.

Submission:

Labcorp Genetics (formerly Invitae), Labcorp
Classification: Uncertain significance for Zellweger spectrum disorders. Last evaluated: 2022-01-20. Review status: criteria provided, single submitter. Criteria: Invitae Variant Classification Sherloc (09022015). Collection method: clinical testing. Allele origin: germline.
Comment: This sequence change replaces glutamic acid, which is acidic and polar, with lysine, which is basic and polar, at codon 539 of the PEX1 protein (p.Glu539Lys). This variant is present in population databases (rs752485627, gnomAD 0.0009%). This missense change has been observed in individual(s) with clinical features of PEX1-related conditions (Invitae). In at least one individual the data is consistent with being in trans (on the opposite chromosome) from a pathogenic variant. Algorithms developed to predict the effect of missense changes on protein structure and function (SIFT, PolyPhen-2, Align-GVGD) all suggest that this variant is likely to be tolerated. In summary, the available evidence is currently insufficient to determine the role of this variant in disease. Therefore, it has been classified as a Variant of Uncertain Significance.

NM_000466.3(PEX1):c.1615G>A (p.Glu539Lys)

Gene: PEX1 (peroxisomal biogenesis factor 1; minus strand). Cytogenetic location: 7q21.2.
Variant type: single nucleotide variant.
Coding change: c.1615G>A on transcript NM_000466.3 (MANE Select); coding-DNA position 1615, G replaced by A.
Protein change: p.Glu539Lys; replaces glutamic acid 539 with lysine.
Molecular consequence: missense variant.
Genome position (GRCh38, 1-based): chr7:92,509,384, C>T on the plus strand (G>A on the coding strand, the complement: PEX1 is on the minus strand). VCF-style: chr7-92509384-C-T. GRCh37 (hg19) VCF-style: chr7-92138698-C-T.
Other names: c.1615G>A, p.Glu539Lys (NM_001282677.2); c.991G>A, p.Glu331Lys (NM_001282678.2); short protein forms E331K, E539K.
Identifiers: ClinVar variation 1941284 (VCV001941284.2), dbSNP rs752485627, ClinGen allele CA4341350.
Genomic context (GRCh38, chr7:92,509,384, plus strand): 5'-CTTACCCCAAAGAGCTCAGCTTTAAAAAAGGAAGAATAAAGTCAATTTCCTCACTGTTTT[C>T]TTCTTTTACCATAGGATCTAGAAGGACCTACAGTTGCAAGGAAAAATCAGTTTTACATTT-3'
Protein context (NP_000457.1, residues 529-549): QVLLDPMVKE[Glu539Lys]NSEEIDFILP